The following is an entry in ClinVar:

NM_005529.7(HSPG2):c.6061G>A (p.Gly2021Ser)

Gene: HSPG2 (heparan sulfate proteoglycan 2; minus strand). Cytogenetic location: 1p36.12.
Variant type: single nucleotide variant.
Coding change: c.6061G>A on transcript NM_005529.7 (MANE Select); coding-DNA position 6061, G replaced by A.
Protein change: p.Gly2021Ser; replaces glycine 2021 with serine.
Molecular consequence: missense variant.
Genome position (GRCh38, 1-based): chr1:21,854,920, C>T on the plus strand (G>A on the coding strand, the complement: HSPG2 is on the minus strand). VCF-style: chr1-21854920-C-T. GRCh37 (hg19) VCF-style: chr1-22181413-C-T.
Other names: c.6064G>A, p.Gly2022Ser (NM_001291860.2); short protein forms G2022S, G2021S.
Identifiers: ClinVar variation 1506719 (VCV001506719.8), dbSNP rs1639213720, ClinGen allele CA338934792.

ClinVar aggregate classification (germline): Uncertain significance (1 of 4 stars; one submission).

Allele frequency attached by ClinVar (database versions not stated): gnomAD exomes 0.00001; TOPMed 0.00002.

Submission:

Labcorp Genetics (formerly Invitae), Labcorp
Classification: Uncertain significance. Last evaluated: 2021-03-27. Review status: criteria provided, single submitter. Criteria: Invitae Variant Classification Sherloc (09022015). Collection method: clinical testing. Allele origin: germline.
Comment: In summary, the available evidence is currently insufficient to determine the role of this variant in disease. Therefore, it has been classified as a Variant of Uncertain Significance. This variant is not present in population databases (ExAC no frequency). This variant has not been reported in the literature in individuals with HSPG2-related conditions. Algorithms developed to predict the effect of missense changes on protein structure and function are either unavailable or do not agree on the potential impact of this missense change (SIFT: "Deleterious"; PolyPhen-2: "Probably Damaging"; Align-GVGD: "Class C0"). This sequence change replaces glycine with serine at codon 2021 of the HSPG2 protein (p.Gly2021Ser). The glycine residue is weakly conserved and there is a small physicochemical difference between glycine and serine.